The following is an entry in ClinVar:

ClinVar aggregate classification (germline): Uncertain significance (1 of 4 stars; one submission).

gnomAD v4.1: 1 of 1,614,078 alleles (0.000062%); highest among the groups gnomAD compares: Non-Finnish European, 0.000085%; no homozygotes.

Submission:

Ambry Genetics
Classification: Uncertain significance. Last evaluated: 2025-05-31. Review status: criteria provided, single submitter. Criteria: Ambry Variant Classification Scheme 2023. Collection method: clinical testing. Allele origin: germline.
Comment: The p.K1452R variant (also known as c.4355A>G), located in coding exon 39 of the KIF1B gene, results from an A to G substitution at nucleotide position 4355. The lysine at codon 1452 is replaced by arginine, an amino acid with highly similar properties. This amino acid position is conserved. In addition, this alteration is predicted to be tolerated by in silico analysis. Based on the available evidence, the clinical significance of this variant remains unclear.

NM_001365951.3(KIF1B):c.4493A>G (p.Lys1498Arg)

Gene: KIF1B (kinesin family member 1B; plus strand). Cytogenetic location: 1p36.22.
Variant type: single nucleotide variant.
Coding change: c.4493A>G on transcript NM_001365951.3 (MANE Select); coding-DNA position 4493, A replaced by G.
Protein change: p.Lys1498Arg; replaces lysine 1498 with arginine.
Molecular consequence: missense variant.
Genome position (GRCh38, 1-based): chr1:10,365,226, A>G. VCF-style: chr1-10365226-A-G. GRCh37 (hg19) VCF-style: chr1-10425284-A-G.
Other names: c.4493A>G, p.Lys1498Arg (NM_001365952.1); c.4355A>G, p.Lys1452Arg (NM_015074.3); short protein forms K1452R, K1498R.
Identifiers: ClinVar variation 4043043 (VCV004043043.1).